The following is an entry in ClinVar:

ClinVar aggregate classification (germline): Uncertain significance. Review status: criteria provided, multiple submitters, no conflicts (2 of 4 stars). 3 submissions from 3 submitters: Uncertain significance (3). Last evaluated 2025-11-08.

Conditions:
Werner syndrome (WRN). Identifiers: Orphanet 902, MedGen C0043119, MONDO:0010196, OMIM 277700.

Allele frequency attached by ClinVar (database versions not stated): ExAC 0.00001; gnomAD 0.00001; TOPMed 0.00001; gnomAD exomes 0.00002.
gnomAD v4.1: 31 of 1,613,388 alleles (0.0019%); highest among the groups gnomAD compares: Non-Finnish European, 0.0025%; no homozygotes.

Submissions (3):

Labcorp Genetics (formerly Invitae), Labcorp
Classification: Uncertain significance for Werner syndrome. Last evaluated: 2025-11-08. Review status: criteria provided, single submitter. Criteria: Invitae Variant Classification Sherloc (09022015). Collection method: clinical testing. Allele origin: germline.
Comment: This sequence change replaces glutamic acid, which is acidic and polar, with valine, which is neutral and non-polar, at codon 480 of the WRN protein (p.Glu480Val). This variant is present in population databases (rs775240079, gnomAD 0.004%). This variant has not been reported in the literature in individuals affected with WRN-related conditions. ClinVar contains an entry for this variant (Variation ID: 238120). An algorithm developed to predict the effect of missense changes on protein structure and function (PolyPhen-2) suggests that this variant is likely to be disruptive. In summary, the available evidence is currently insufficient to determine the role of this variant in disease. Therefore, it has been classified as a Variant of Uncertain Significance.

Fulgent Genetics
Classification: Uncertain significance for Werner syndrome. Last evaluated: 2024-04-18. Review status: criteria provided, single submitter. Criteria: ACMG Guidelines, 2015. Collection method: clinical testing. Allele origin: germline.

GeneDx
Classification: Uncertain significance. Last evaluated: 2020-02-25. Review status: criteria provided, single submitter. Criteria: GeneDx Variant Classification Process June 2021. Collection method: clinical testing. Allele origin: germline. Affected: yes.
Comment: In silico analysis supports that this missense variant has a deleterious effect on protein structure/function; Has not been previously published as pathogenic or benign to our knowledge; This variant is associated with the following publications: (PMID: 32041611)

NM_000553.6(WRN):c.1439A>T (p.Glu480Val)

Gene: WRN (WRN RecQ like helicase; plus strand). Cytogenetic location: 8p12.
Variant type: single nucleotide variant.
Coding change: c.1439A>T on transcript NM_000553.6 (MANE Select); coding-DNA position 1439, A replaced by T.
Protein change: p.Glu480Val; replaces glutamic acid 480 with valine.
Molecular consequence: missense variant.
Genome position (GRCh38, 1-based): chr8:31,087,783, A>T. VCF-style: chr8-31087783-A-T. GRCh37 (hg19) VCF-style: chr8-30945299-A-T.
Other names: short protein forms E480V.
Identifiers: ClinVar variation 238120 (VCV000238120.9), dbSNP rs775240079, ClinGen allele CA4704374.
Genomic context (GRCh38, chr8:31,087,783, plus strand): 5'-AAGATACGACACTGTCAGTGGTTTTGCTTTTAAGATTTCTTTTAAACTTTCAGTCTTTAG[A>T]AAACCTCAATAGTGGCACGGTAGAACCAACTCATTCTAAATGCTTAAAAATGGAAAGAAA-3'
Protein context (NP_000544.2, residues 470-490): DLEMEMLKSL[Glu480Val]NLNSGTVEPT